The following is an entry in ClinVar:

ClinVar aggregate classification (germline): Likely benign (1 of 4 stars; one submission).

Submission:

CeGaT Center for Human Genetics Tuebingen
Classification: Likely benign. Last evaluated: 2026-02-01. Review status: criteria provided, single submitter. Criteria: CeGaT Center For Human Genetics Tuebingen Variant Classification Criteria Version 2. Collection method: clinical testing. Allele origin: germline. Affected: yes. Observed: 1 variant allele.
Comment: HERC1: PM2:Supporting, BP4, BP7

NM_003922.4(HERC1):c.8010C>A (p.Ser2670=)

Gene: HERC1 (HECT and RLD domain containing E3 ubiquitin protein ligase family member 1; minus strand). Cytogenetic location: 15q22.31.
Variant type: single nucleotide variant.
Coding change: c.8010C>A on transcript NM_003922.4 (MANE Select); coding-DNA position 8010, C replaced by A.
Protein change: p.Ser2670=; no amino-acid change (serine 2670 retained).
Molecular consequence: synonymous variant.
Genome position (GRCh38, 1-based): chr15:63,672,531, G>T on the plus strand (C>A on the coding strand, the complement: HERC1 is on the minus strand). VCF-style: chr15-63672531-G-T. GRCh37 (hg19) VCF-style: chr15-63964730-G-T.
Identifiers: ClinVar variation 4823425 (VCV004823425.4).